The following is an entry in ClinVar:

ClinVar aggregate classification (germline): Uncertain significance (1 of 4 stars; one submission).

Submission:

Labcorp Genetics (formerly Invitae), Labcorp
Classification: Uncertain significance. Last evaluated: 2023-07-10. Review status: criteria provided, single submitter. Criteria: Invitae Variant Classification Sherloc (09022015). Collection method: clinical testing. Allele origin: germline.
Comment: In summary, the available evidence is currently insufficient to determine the role of this variant in disease. Therefore, it has been classified as a Variant of Uncertain Significance. Advanced modeling of protein sequence and biophysical properties (such as structural, functional, and spatial information, amino acid conservation, physicochemical variation, residue mobility, and thermodynamic stability) has been performed at Invitae for this missense variant, however the output from this modeling did not meet the statistical confidence thresholds required to predict the impact of this variant on CSF1R protein function. ClinVar contains an entry for this variant (Variation ID: 2418939). This missense change has been observed in individual(s) with adult-onset leukoencephalopathy with axonal spheroids and pigmented glia (PMID: 30115677). This variant is not present in population databases (gnomAD no frequency). This sequence change replaces tyrosine, which is neutral and polar, with cysteine, which is neutral and slightly polar, at codon 841 of the CSF1R protein (p.Tyr841Cys).

Literature cited by the submitters: PubMed 30115677.

NM_001288705.3(CSF1R):c.2522A>G (p.Tyr841Cys)

Gene: CSF1R (colony stimulating factor 1 receptor; minus strand). Cytogenetic location: 5q32.
Variant type: single nucleotide variant.
Coding change: c.2522A>G on transcript NM_001288705.3 (MANE Select); coding-DNA position 2522, A replaced by G.
Protein change: p.Tyr841Cys; replaces tyrosine 841 with cysteine.
Molecular consequence: missense variant. On other transcripts: non-coding transcript variant (2).
Genome position (GRCh38, 1-based): chr5:150,056,058, T>C on the plus strand (A>G on the coding strand, the complement: CSF1R is on the minus strand). VCF-style: chr5-150056058-T-C. GRCh37 (hg19) VCF-style: chr5-149435621-T-C.
Other names: c.2522A>G, p.Tyr841Cys (NM_001349736.2, NM_001375320.1, NM_005211.4); c.2078A>G, p.Tyr693Cys (NM_001375321.1); short protein forms Y693C, Y841C.
Identifiers: ClinVar variation 2418939 (VCV002418939.6), dbSNP rs2113778231, ClinGen allele CA361758364.